The following is an entry in ClinVar:

ClinVar aggregate classification (germline): Benign/Likely benign. Review status: criteria provided, multiple submitters, no conflicts (2 of 4 stars). 6 submissions from 6 submitters: Benign (1); Likely benign (5). Last evaluated 2025-02-23.

Conditions:
Familial adenomatous polyposis 1 (FAP1). Also called: POLYPOSIS, ADENOMATOUS INTESTINAL; FAMILIAL ADENOMATOUS POLYPOSIS 1, ATTENUATED. Identifiers: MedGen C2713442, MONDO:0021056, OMIM 175100. Disease mechanism: loss of function.
Hereditary cancer-predisposing syndrome. Also called: Tumor predisposition; Hereditary Cancer Syndrome; Neoplastic Syndromes, Hereditary; Hereditary neoplastic syndrome. Identifiers: Orphanet 140162, MedGen C0027672, MeSH D009386, MONDO:0015356.

Allele frequency attached by ClinVar (database versions not stated): gnomAD exomes below 0.00001 and 0.00001; gnomAD 0.00001; TOPMed 0.00001.
gnomAD v4.1: 3 of 1,614,056 alleles (0.00019%); highest among the groups gnomAD compares: Admixed American, 0.0033%; no homozygotes.

Submissions (6):

Labcorp Genetics (formerly Invitae), Labcorp
Classification: Likely benign for Familial adenomatous polyposis 1. Last evaluated: 2025-02-23. Review status: criteria provided, single submitter. Criteria: Invitae Variant Classification Sherloc (09022015). Collection method: clinical testing. Allele origin: germline.

Myriad Genetics, Inc.
Classification: Benign for Familial adenomatous polyposis 1. Last evaluated: 2024-03-22. Review status: criteria provided, single submitter. Criteria: Myriad Autosomal Dominant, Autosomal Recessive and X-Linked Classification Criteria (2023). Collection method: clinical testing. Allele origin: unknown.
Comment: This variant is considered benign. This variant is a silent/synonymous amino acid change and it is not expected to impact splicing.

Quest Diagnostics Nichols Institute San Juan Capistrano
Classification: Likely benign. Last evaluated: 2023-08-22. Review status: criteria provided, single submitter. Criteria: Quest Diagnostics criteria. Collection method: clinical testing. Allele origin: unknown.

Blueprint Genetics
Classification: Likely benign. Last evaluated: 2021-03-23. Review status: criteria provided, single submitter. Criteria: ACMG Guidelines, 2015. Collection method: clinical testing. Allele origin: germline.

Ambry Genetics
Classification: Likely benign for Hereditary cancer-predisposing syndrome. Last evaluated: 2017-03-10. Review status: criteria provided, single submitter. Criteria: Ambry Variant Classification Scheme 2023. Collection method: clinical testing. Allele origin: germline.

PreventionGenetics, part of Exact Sciences
Classification: Likely benign. Last evaluated: 2017-01-30. Review status: criteria provided, single submitter. Criteria: ACMG Guidelines, 2015. Collection method: clinical testing. Allele origin: germline.

NM_000038.6(APC):c.3798T>C (p.Asp1266=)

Gene: APC (APC regulator of Wnt signaling pathway; plus strand). Cytogenetic location: 5q22.2.
Variant type: single nucleotide variant.
Coding change: c.3798T>C on transcript NM_000038.6 (MANE Select); coding-DNA position 3798, T replaced by C.
Protein change: p.Asp1266=; no amino-acid change (aspartic acid 1266 retained).
Molecular consequence: synonymous variant.
Genome position (GRCh38, 1-based): chr5:112,839,392, T>C. VCF-style: chr5-112839392-T-C. GRCh37 (hg19) VCF-style: chr5-112175089-T-C.
Other names: c.3798T>C, p.Asp1266= (NM_001127510.3, NM_001354895.2); c.3744T>C, p.Asp1248= (NM_001127511.3); c.3852T>C, p.Asp1284= (NM_001354896.2); c.3828T>C, p.Asp1276= (NM_001354897.2); c.3723T>C, p.Asp1241= (NM_001354898.2); c.3714T>C, p.Asp1238= (NM_001354899.2); c.3675T>C, p.Asp1225= (NM_001354900.2); c.3621T>C, p.Asp1207= (NM_001354901.2); and 5 more.
Identifiers: ClinVar variation 485147 (VCV000485147.19), dbSNP rs1488397941, ClinGen allele CA445963702.
Genomic context (GRCh38, chr5:112,839,392, plus strand): 5'-TGCCACTTGCAAAGTTTCTTCTATTAACCAAGAAACAATACAGACTTATTGTGTAGAAGA[T>C]ACTCCAATATGTTTTTCAAGATGTAGTTCATTATCATCTTTGTCATCAGCTGAAGATGAA-3'
Protein context (NP_000029.2, residues 1256-1276): QETIQTYCVE[Asp1266=]TPICFSRCSS